The following is an entry in ClinVar:

NM_002528.7(NTHL1):c.620C>T (p.Pro207Leu)

Gene: NTHL1 (nth like DNA glycosylase 1; minus strand). Cytogenetic location: 16p13.3.
Variant type: single nucleotide variant.
Coding change: c.620C>T on transcript NM_002528.7 (MANE Select); coding-DNA position 620, C replaced by T.
Protein change: p.Pro207Leu; replaces proline 207 with leucine.
Molecular consequence: missense variant.
Genome position (GRCh38, 1-based): chr16:2,043,632, G>A on the plus strand (C>T on the coding strand, the complement: NTHL1 is on the minus strand). VCF-style: chr16-2043632-G-A. GRCh37 (hg19) VCF-style: chr16-2093633-G-A.
Other names: c.620C>T, p.Pro207Leu (LRG_1366t1); c.449C>T, p.Pro150Leu (NM_001318193.2); c.290C>T, p.Pro97Leu (NM_001318194.2); short protein forms P150L, P207L, P97L.
Identifiers: ClinVar variation 650921 (VCV000650921.18), dbSNP rs755619109, ClinGen allele CA7828189.

ClinVar aggregate classification (germline): Uncertain significance. Review status: criteria provided, multiple submitters, no conflicts (2 of 4 stars). 6 submissions from 6 submitters: Uncertain significance (6). Last evaluated 2026-01-07.

Conditions:
Hereditary cancer-predisposing syndrome. Also called: Tumor predisposition; Neoplastic Syndromes, Hereditary; Hereditary Cancer Syndrome; Hereditary neoplastic syndrome. Identifiers: Orphanet 140162, MedGen C0027672, MeSH D009386, MONDO:0015356.
Familial adenomatous polyposis 3. Also called: NTHL1-Related Adenomatous Polyposis and Colorectal Cancer; NTHL1-associated polyposis; NTHL1-related attenuated familial adenomatous polyposis; NTHL1 Tumor Syndrome. Identifiers: Orphanet 220460, Orphanet 454840, MedGen C4225157, MONDO:0014630, OMIM 616415.

Allele frequency attached by ClinVar (database versions not stated): gnomAD 0.00001; TOPMed 0.00001; ExAC 0.00003; gnomAD exomes 0.00003.
gnomAD v4.1: 116 of 1,611,068 alleles (0.0072%); highest among the groups gnomAD compares: East Asian, 0.21%; 1 homozygote.

Submissions (6):

Labcorp Genetics (formerly Invitae), Labcorp
Classification: Uncertain significance. Last evaluated: 2026-01-07. Review status: criteria provided, single submitter. Criteria: Invitae Variant Classification Sherloc (09022015). Collection method: clinical testing. Allele origin: germline.
Comment: This sequence change replaces proline, which is neutral and non-polar, with leucine, which is neutral and non-polar, at codon 215 of the NTHL1 protein (p.Pro215Leu). This variant is present in population databases (rs755619109, gnomAD 0.02%). This variant has not been reported in the literature in individuals affected with NTHL1-related conditions. ClinVar contains an entry for this variant (Variation ID: 650921). An algorithm developed to predict the effect of missense changes on protein structure and function (PolyPhen-2) suggests that this variant is likely to be disruptive. In summary, the available evidence is currently insufficient to determine the role of this variant in disease. Therefore, it has been classified as a Variant of Uncertain Significance.

Ambry Genetics
Classification: Uncertain significance for Hereditary cancer-predisposing syndrome. Last evaluated: 2024-11-26. Review status: criteria provided, single submitter. Criteria: Ambry Variant Classification Scheme 2023. Collection method: clinical testing. Allele origin: germline.
Comment: The p.P215L variant (also known as c.644C>T), located in coding exon 4 of the NTHL1 gene, results from a C to T substitution at nucleotide position 644. The proline at codon 215 is replaced by leucine, an amino acid with similar properties. This amino acid position is highly conserved in available vertebrate species. In addition, this alteration is predicted to be deleterious by in silico analysis. Based on the available evidence, the clinical significance of this variant remains unclear.

GeneDx
Classification: Uncertain significance. Last evaluated: 2024-08-09. Review status: criteria provided, single submitter. Criteria: GeneDx Variant Classification Process June 2021. Collection method: clinical testing. Allele origin: germline. Affected: yes.
Comment: In silico analysis supports that this missense variant has a deleterious effect on protein structure/function; Observed in an individual with pancreatic cancer as well as an unaffected control (PMID: 36896836); This variant is associated with the following publications: (PMID: 24013638, 36896836)

Baylor Genetics
Classification: Uncertain significance for Familial adenomatous polyposis 3. Last evaluated: 2024-01-20. Review status: criteria provided, single submitter. Criteria: ACMG Guidelines, 2015. Collection method: clinical testing. Allele origin: unknown.

St. Jude Molecular Pathology, St. Jude Children's Research Hospital
Classification: Uncertain significance for Familial adenomatous polyposis 3. Last evaluated: 2023-08-17. Review status: criteria provided, single submitter. Criteria: St. Jude Assertion Criteria 2020. Collection method: clinical testing. Allele origin: germline.
Comment: The NTHL1 c.620C>T (p.Pro207Leu) missense change has a maximum subpopulation frequency of 0.016% in gnomAD v2.1.1. The in silico tool REVEL is inconclusive about the effect of this variant on protein function, but to our knowledge functional studies have not been performed. To our knowledge, this variant has not been reported in individuals with NTHL1-associated polyposis. In summary, the evidence currently available is insufficient to determine the clinical significance of this variant. It has therefore been classified as of uncertain significance.

Sema4
Classification: Uncertain significance for Hereditary cancer-predisposing syndrome. Last evaluated: 2021-09-15. Review status: criteria provided, single submitter. Criteria: Sema4 Curation Guidelines. Collection method: curation. Allele origin: germline.
Comment: The NTHL1 c.644C>T (p.P215L) variant has not been reported in the literature to our knowledge. It was observed in 3/18370 chromosomes of the East Asian subpopulation in the large and broad cohorts of the Genome Aggregation Database (PMID: 32461654). The variant has been reported in ClinVar (Variation ID 650921). Functional studies have not been performed, and in silico predictions of the variant's effect on protein function are inconclusive. The evidence is insufficient to meet ACMG/AMP criteria for classifying the variant as benign or pathogenic. Thus, the clinical significance of this variant is currently uncertain.